The following is an entry in ClinVar:

NM_002693.3(POLG):c.1149G>A (p.Lys383=)

Gene: POLG (DNA polymerase gamma, catalytic subunit; minus strand). Cytogenetic location: 15q26.1.
Variant type: single nucleotide variant.
Coding change: c.1149G>A on transcript NM_002693.3 (MANE Select); coding-DNA position 1149, G replaced by A.
Protein change: p.Lys383=; no amino-acid change (lysine 383 retained).
Molecular consequence: synonymous variant.
Genome position (GRCh38, 1-based): chr15:89,328,706, C>T on the plus strand (G>A on the coding strand, the complement: POLG is on the minus strand). VCF-style: chr15-89328706-C-T. GRCh37 (hg19) VCF-style: chr15-89871937-C-T.
Other names: c.1149G>A, p.Lys383= (NM_001126131.2).
Identifiers: ClinVar variation 258789 (VCV000258789.48), dbSNP rs767256165, ClinGen allele CA7724945.

ClinVar aggregate classification (germline): Likely benign. Review status: criteria provided, multiple submitters, no conflicts (2 of 4 stars). 5 submissions from 5 submitters: Likely benign (5). Last evaluated 2026-01-17.

Conditions:
Progressive sclerosing poliodystrophy (MTDPS4A). Also called: Alpers-Huttenlocher Syndrome (AHS); ALPERS PROGRESSIVE INFANTILE POLIODYSTROPHY; NEURONAL DEGENERATION OF CHILDHOOD WITH LIVER DISEASE, PROGRESSIVE; ALPERS DIFFUSE DEGENERATION OF CEREBRAL GRAY MATTER WITH HEPATIC CIRRHOSIS; Mitochondrial DNA depletion syndrome 4A (Alpers type); Alpers-Huttenlocher Syndrome. Identifiers: Orphanet 726, MedGen C0205710, MONDO:0008758, OMIM 203700.

Allele frequency attached by ClinVar (database versions not stated): gnomAD 0.00001; TOPMed 0.00002; ExAC 0.00003; gnomAD exomes 0.00004.

Submissions (5):

Labcorp Genetics (formerly Invitae), Labcorp
Classification: Likely benign for Progressive sclerosing poliodystrophy. Last evaluated: 2026-01-17. Review status: criteria provided, single submitter. Criteria: Invitae Variant Classification Sherloc (09022015). Collection method: clinical testing. Allele origin: germline.

Blueprint Genetics
Classification: Likely benign. Last evaluated: 2024-07-18. Review status: criteria provided, single submitter. Criteria: ACMG Guidelines, 2015. Collection method: clinical testing. Allele origin: germline.

CeGaT Center for Human Genetics Tuebingen
Classification: Likely benign. Last evaluated: 2022-10-01. Review status: criteria provided, single submitter. Criteria: CeGaT Center For Human Genetics Tuebingen Variant Classification Criteria Version 2. Collection method: clinical testing. Allele origin: germline. Affected: yes. Observed: 2 variant alleles.
Comment: POLG: BP4, BP7

Wong Mito Lab, Molecular and Human Genetics, Baylor College of Medicine
Classification: Likely benign for Progressive sclerosing poliodystrophy. Last evaluated: 2018-10-01. Review status: criteria provided, single submitter. Criteria: ACMG Guidelines, 2015. Collection method: clinical testing. Allele origin: germline.
Comment: The NM_002693.2:c.1149G>A (NP_002684.1:p.Lys383=) [GRCH38: NC_000015.10:g.89328706C>T] variant in POLG gene is interpretated to be a Likely Benign based on ACMG guidelines (PMID: 25741868). This variant meets the following evidence codes reported in the ACMG-guideline. BP4:Computational evidence/predictors indicate no impact on the POLG structure, function, or protein-protein interaction. BP7:The variant is silent with non predicted splice impact. Based on the evidence criteria codes applied, the variant is suggested to be Likely Benign.

PreventionGenetics, part of Exact Sciences
Classification: Likely benign. Review status: criteria provided, single submitter. Criteria: ACMG Guidelines, 2015. Collection method: clinical testing. Allele origin: germline.